The following is an entry in ClinVar:

ClinVar aggregate classification (germline): Uncertain significance (1 of 4 stars; one submission).

Conditions:
Hereditary cancer-predisposing syndrome. Also called: Neoplastic Syndromes, Hereditary; Hereditary Cancer Syndrome; Tumor predisposition; Hereditary neoplastic syndrome. Identifiers: Orphanet 140162, MedGen C0027672, MeSH D009386, MONDO:0015356.

Submission:

Ambry Genetics
Classification: Uncertain significance for Hereditary cancer-predisposing syndrome. Last evaluated: 2023-03-05. Review status: criteria provided, single submitter. Criteria: Ambry Variant Classification Scheme 2023. Collection method: clinical testing. Allele origin: germline.
Comment: The p.N309I variant (also known as c.926A>T), located in coding exon 9 of the PRKAR1A gene, results from an A to T substitution at nucleotide position 926. The asparagine at codon 309 is replaced by isoleucine, an amino acid with dissimilar properties. This amino acid position is conserved. In addition, the in silico prediction for this alteration is inconclusive. Since supporting evidence is limited at this time, the clinical significance of this alteration remains unclear.

NM_002734.5(PRKAR1A):c.926A>T (p.Asn309Ile)

Gene: PRKAR1A (protein kinase cAMP-dependent type I regulatory subunit alpha; plus strand). Cytogenetic location: 17q24.2.
Variant type: single nucleotide variant.
Coding change: c.926A>T on transcript NM_002734.5 (MANE Select); coding-DNA position 926, A replaced by T.
Protein change: p.Asn309Ile; replaces asparagine 309 with isoleucine.
Molecular consequence: missense variant.
Genome position (GRCh38, 1-based): chr17:68,529,954, A>T. VCF-style: chr17-68529954-A-T. GRCh37 (hg19) VCF-style: chr17-66526095-A-T.
Other names: c.926A>T, p.Asn309Ile (NM_001276289.2, NM_001276290.1, NM_001278433.2 and 4 more transcripts); short protein forms N309I.
Identifiers: ClinVar variation 2447620 (VCV002447620.2), dbSNP rs756663310, ClinGen allele CA400754155.